The following is an entry in ClinVar:

NM_001853.4(COL9A3):c.1037G>T (p.Gly346Val)

Gene: COL9A3 (collagen type IX alpha 3 chain; plus strand). Cytogenetic location: 20q13.33.
Variant type: single nucleotide variant.
Coding change: c.1037G>T on transcript NM_001853.4 (MANE Select); coding-DNA position 1037, G replaced by T.
Protein change: p.Gly346Val; replaces glycine 346 with valine.
Molecular consequence: missense variant.
Genome position (GRCh38, 1-based): chr20:62,829,483, G>T. VCF-style: chr20-62829483-G-T. GRCh37 (hg19) VCF-style: chr20-61460835-G-T.
Other names: short protein forms G346V.
Identifiers: ClinVar variation 4770722 (VCV004770722.1).

ClinVar aggregate classification (germline): Uncertain significance (1 of 4 stars; one submission).

gnomAD v4.1: 2 of 1,612,774 alleles (0.00012%); highest among the groups gnomAD compares: African/African-American, 0.0013%; no homozygotes.

Submission:

Labcorp Genetics (formerly Invitae), Labcorp
Classification: Uncertain significance. Last evaluated: 2025-09-03. Review status: criteria provided, single submitter. Criteria: Invitae Variant Classification Sherloc (09022015). Collection method: clinical testing. Allele origin: germline.
Comment: This sequence change replaces glycine, which is neutral and non-polar, with valine, which is neutral and non-polar, at codon 346 of the COL9A3 protein (p.Gly346Val). This variant is present in population databases (no rsID available, gnomAD 0.007%). This variant has not been reported in the literature in individuals affected with COL9A3-related conditions. Invitae Evidence Modeling of protein sequence and biophysical properties (such as structural, functional, and spatial information, amino acid conservation, physicochemical variation, residue mobility, and thermodynamic stability) indicates that this missense variant is expected to disrupt COL9A3 protein function with a positive predictive value of 95%. In summary, the available evidence is currently insufficient to determine the role of this variant in disease. Therefore, it has been classified as a Variant of Uncertain Significance.